The following is an entry in ClinVar:

ClinVar aggregate classification (germline): Uncertain significance (1 of 4 stars; one submission).

Submission:

Labcorp Genetics (formerly Invitae), Labcorp
Classification: Uncertain significance. Last evaluated: 2024-11-04. Review status: criteria provided, single submitter. Criteria: Invitae Variant Classification Sherloc (09022015). Collection method: clinical testing. Allele origin: germline.
Comment: This sequence change replaces isoleucine, which is neutral and non-polar, with valine, which is neutral and non-polar, at codon 168 of the RAB11A protein (p.Ile168Val). This variant is not present in population databases (gnomAD no frequency). This variant has not been reported in the literature in individuals affected with RAB11A-related conditions. An algorithm developed to predict the effect of missense changes on protein structure and function (PolyPhen-2) suggests that this variant is likely to be tolerated. In summary, the available evidence is currently insufficient to determine the role of this variant in disease. Therefore, it has been classified as a Variant of Uncertain Significance.

NM_004663.5(RAB11A):c.502A>G (p.Ile168Val)

Gene: RAB11A (RAB11A, member RAS oncogene family; plus strand). Cytogenetic location: 15q22.31.
Variant type: single nucleotide variant.
Coding change: c.502A>G on transcript NM_004663.5 (MANE Select); coding-DNA position 502, A replaced by G.
Protein change: p.Ile168Val; replaces isoleucine 168 with valine.
Molecular consequence: missense variant. On other transcripts: intron variant (1).
Genome position (GRCh38, 1-based): chr15:65,879,742, A>G. VCF-style: chr15-65879742-A-G. GRCh37 (hg19) VCF-style: chr15-66172080-A-G.
Other names: c.439+63A>G (NM_001206836.2); short protein forms I168V.
Identifiers: ClinVar variation 3705805 (VCV003705805.2).
Genomic context (GRCh38, chr15:65,879,742, plus strand): 5'-TTGTCATTCATTGAAACTTCGGCCCTAGACTCTACAAATGTAGAAGCTGCTTTTCAGACA[A>G]TTTTAACAGGTAAGACTTGTATTTTCAGATTACACCAGTAGGACTAGAAGTTTTAGGAAG-3'
Protein context (NP_004654.1, residues 158-178): STNVEAAFQT[Ile168Val]LTEIYRIVSQ